The following is an entry in ClinVar:

NM_004370.6(COL12A1):c.2569C>G (p.Gln857Glu)

Gene: COL12A1 (collagen type XII alpha 1 chain; minus strand). Cytogenetic location: 6q13.
Variant type: single nucleotide variant.
Coding change: c.2569C>G on transcript NM_004370.6 (MANE Select); coding-DNA position 2569, C replaced by G.
Protein change: p.Gln857Glu; replaces glutamine 857 with glutamic acid.
Molecular consequence: missense variant. On other transcripts: intron variant (1).
Genome position (GRCh38, 1-based): chr6:75,175,179, G>C on the plus strand (C>G on the coding strand, the complement: COL12A1 is on the minus strand). VCF-style: chr6-75175179-G-C. GRCh37 (hg19) VCF-style: chr6-75884895-G-C.
Other names: p.Gln857Glu; c.74-22697C>G (NM_080645.3); short protein forms Q857E.
Identifiers: ClinVar variation 581163 (VCV000581163.27), dbSNP rs201662983, ClinGen allele CA3893943.

ClinVar aggregate classification (germline): Conflicting classifications of pathogenicity. Review status: criteria provided, conflicting classifications (1 of 4 stars). 8 submissions from 8 submitters: Uncertain significance (6); Likely benign (1). 1 of the submissions does not count toward it. Last evaluated 2026-01-28.

Conditions:
COL12A1-related disorder. Also called: COL12A1-related condition.
Inborn genetic diseases. Identifiers: MedGen C0950123, MeSH D030342.
Ullrich congenital muscular dystrophy 2 (UCMD2). Identifiers: Orphanet 75840, MedGen C4225314, MONDO:0014654, OMIM 616470.
Bethlem myopathy 2 (BTHLM2). Identifiers: Orphanet 536516, Orphanet 610, MedGen C4225313, MONDO:0034022, OMIM 616471.

Allele frequency attached by ClinVar (database versions not stated): gnomAD 0.00003 and 0.00004; ExAC 0.00007; gnomAD exomes 0.00007 and 0.00013; TOPMed 0.00007.
gnomAD v4.1: 196 of 1,613,972 alleles (0.012%); highest among the groups gnomAD compares: Non-Finnish European, 0.016%; no homozygotes.

Submissions (8):

Labcorp Genetics (formerly Invitae), Labcorp
Classification: Likely benign for Bethlem myopathy 2; Ullrich congenital muscular dystrophy 2. Last evaluated: 2026-01-28. Review status: criteria provided, single submitter. Criteria: Invitae Variant Classification Sherloc (09022015). Collection method: clinical testing. Allele origin: germline.

GeneDx
Classification: Uncertain significance. Last evaluated: 2025-11-18. Review status: criteria provided, single submitter. Criteria: GeneDx Variant Classification Process June 2021. Collection method: clinical testing. Allele origin: germline. Affected: yes.
Comment: Has not been previously published as pathogenic or benign to our knowledge; In silico analysis suggests that this missense variant does not alter protein structure/function

CeGaT Center for Human Genetics Tuebingen
Classification: Uncertain significance. Last evaluated: 2025-08-01. Review status: criteria provided, single submitter. Criteria: CeGaT Center For Human Genetics Tuebingen Variant Classification Criteria Version 2. Collection method: clinical testing. Allele origin: germline. Affected: yes. Observed: 1 variant allele.
Comment: COL12A1: PM2, BP4

Mayo Clinic Laboratories, Mayo Clinic
Classification: Uncertain significance. Last evaluated: 2025-07-29. Review status: criteria provided, single submitter. Criteria: ACMG Guidelines, 2015. Collection method: clinical testing. Allele origin: germline. Observed: 1 variant allele.
Comment: BP4_moderate

Women's Health and Genetics/Laboratory Corporation of America, LabCorp
Classification: Uncertain significance. Last evaluated: 2025-04-02. Review status: criteria provided, single submitter. Criteria: LabCorp Variant Classification Summary - May 2015. Collection method: clinical testing. Allele origin: germline.
Comment: Variant summary: COL12A1 c.2569C>G (p.Gln857Glu) results in a conservative amino acid change in the encoded protein sequence. Four of four in-silico tools predict a benign effect of the variant on protein function. The variant allele was found at a frequency of 7.2e-05 in 249506 control chromosomes. This frequency is not significantly higher than estimated for a pathogenic variant in COL12A1 causing Ullrich congenital muscular dystrophy 2 (7.2e-05 vs 0.0035), allowing no conclusion about variant significance. To our knowledge, no occurrence of c.2569C>G in individuals affected with Ullrich congenital muscular dystrophy 2 and no experimental evidence demonstrating its impact on protein function have been reported. ClinVar contains an entry for this variant (Variation ID: 581163). Based on the evidence outlined above, the variant was classified as uncertain significance.

Ambry Genetics
Classification: Uncertain significance for Inborn genetic diseases. Last evaluated: 2024-03-28. Review status: criteria provided, single submitter. Criteria: Ambry Variant Classification Scheme 2023. Collection method: clinical testing. Allele origin: germline.

Revvity Omics, Revvity
Classification: Uncertain significance. Last evaluated: 2019-07-29. Review status: criteria provided, single submitter. Criteria: ACMG Guidelines, 2015. Collection method: clinical testing. Allele origin: germline.

PreventionGenetics, part of Exact Sciences
Classification: Uncertain significance for COL12A1-related condition. Last evaluated: 2024-07-03. Review status: no assertion criteria provided. Collection method: clinical testing. Allele origin: germline. Not counted in ClinVar's aggregate classification.
Comment: The COL12A1 c.2569C>G variant is predicted to result in the amino acid substitution p.Gln857Glu. To our knowledge, this variant has not been reported in the literature. This variant is reported in 0.014% of alleles in individuals of European (Non-Finnish) descent in gnomAD. At this time, the clinical significance of this variant is uncertain due to the absence of conclusive functional and genetic evidence.